The following is an entry in ClinVar:

ClinVar aggregate classification (germline): Uncertain significance (1 of 4 stars; one submission).

Allele frequency attached by ClinVar (database versions not stated): TOPMed below 0.00001; ExAC 0.00001; gnomAD exomes 0.00001; gnomAD 0.00001.
gnomAD v4.1: 6 of 1,613,722 alleles (0.00037%); highest among the groups gnomAD compares: Admixed American, 0.0033%; no homozygotes.

Submission:

Labcorp Genetics (formerly Invitae), Labcorp
Classification: Uncertain significance. Last evaluated: 2026-01-03. Review status: criteria provided, single submitter. Criteria: Invitae Variant Classification Sherloc (09022015). Collection method: clinical testing. Allele origin: germline.
Comment: This sequence change replaces serine, which is neutral and polar, with asparagine, which is neutral and polar, at codon 379 of the NFKB1 protein (p.Ser379Asn). This variant is present in population databases (rs761774576, gnomAD 0.003%). This variant has not been reported in the literature in individuals affected with NFKB1-related conditions. ClinVar contains an entry for this variant (Variation ID: 2978284). Invitae Evidence Modeling of protein sequence and biophysical properties (such as structural, functional, and spatial information, amino acid conservation, physicochemical variation, residue mobility, and thermodynamic stability) indicates that this missense variant is not expected to disrupt NFKB1 protein function with a negative predictive value of 80%. In summary, the available evidence is currently insufficient to determine the role of this variant in disease. Therefore, it has been classified as a Variant of Uncertain Significance.

NM_003998.4(NFKB1):c.1136G>A (p.Ser379Asn)

Gene: NFKB1 (nuclear factor kappa B subunit 1; plus strand). Cytogenetic location: 4q24.
Variant type: single nucleotide variant.
Coding change: c.1136G>A on transcript NM_003998.4 (MANE Select); coding-DNA position 1136, G replaced by A.
Protein change: p.Ser379Asn; replaces serine 379 with asparagine.
Molecular consequence: missense variant.
Genome position (GRCh38, 1-based): chr4:102,593,494, G>A. VCF-style: chr4-102593494-G-A. GRCh37 (hg19) VCF-style: chr4-103514651-G-A.
Other names: c.1133G>A, p.Ser378Asn (NM_001165412.2, NM_001319226.2, NM_001382627.1); c.1136G>A, p.Ser379Asn (NM_001382625.1, NM_001382626.1); c.1094G>A, p.Ser365Asn (NM_001382628.1); short protein forms S378N, S379N, S365N.
Identifiers: ClinVar variation 2978284 (VCV002978284.3), dbSNP rs761774576, ClinGen allele CA3026073.